The following is an entry in ClinVar:

NM_002972.4(SBF1):c.3056A>C (p.Asp1019Ala)

Gene: SBF1 (SET binding factor 1; minus strand). Cytogenetic location: 22q13.33.
Variant type: single nucleotide variant.
Coding change: c.3056A>C on transcript NM_002972.4 (MANE Select); coding-DNA position 3056, A replaced by C.
Protein change: p.Asp1019Ala; replaces aspartic acid 1019 with alanine.
Molecular consequence: missense variant.
Genome position (GRCh38, 1-based): chr22:50,460,624, T>G on the plus strand (A>C on the coding strand, the complement: SBF1 is on the minus strand). VCF-style: chr22-50460624-T-G. GRCh37 (hg19) VCF-style: chr22-50899053-T-G.
Other names: c.3059A>C, p.Asp1020Ala (NM_001365819.1, NM_001410794.1); c.3056A>C, p.Asp1019Ala (NM_001410795.1, NM_197971.1); short protein forms D1019A, D1020A.
Identifiers: ClinVar variation 3026666 (VCV003026666.22), dbSNP rs2521921838, ClinGen allele CA412207482.
Genomic context (GRCh38, chr22:50,460,624, plus strand): 5'-CGCGGTGGCCGGCCAGGTGTGTGGGCAGAGCCCAAGGTGAACGCAAAGGTGGCCCTGATG[T>G]CCGGCGGGTACCGCAGCTTATGCAGCTGCTTACGGAAGAGCTCGGCGCTGTCAGACCCCA-3'
Protein context (NP_002963.2, residues 1009-1029): KQLHKLRYPP[Asp1019Ala]IRATFAFTLG

ClinVar aggregate classification (germline): Uncertain significance (1 of 4 stars; one submission).

Allele frequency attached by ClinVar (database versions not stated): gnomAD exomes below 0.00001.
gnomAD v4.1: 2 of 1,614,074 alleles (0.00012%); highest among the groups gnomAD compares: Non-Finnish European, 0.00017%; no homozygotes.

Submission:

CeGaT Center for Human Genetics Tuebingen
Classification: Uncertain significance. Last evaluated: 2023-12-01. Review status: criteria provided, single submitter. Criteria: CeGaT Center For Human Genetics Tuebingen Variant Classification Criteria Version 2. Collection method: clinical testing. Allele origin: germline. Affected: yes. Observed: 1 variant allele.
Comment: SBF1: PM2